The following is an entry in ClinVar:

ClinVar aggregate classification (germline): Uncertain significance (1 of 4 stars; one submission).

Conditions:
Familial adenomatous polyposis 1 (FAP1). Also called: FAMILIAL ADENOMATOUS POLYPOSIS 1, ATTENUATED; POLYPOSIS, ADENOMATOUS INTESTINAL. Identifiers: MedGen C2713442, MONDO:0021056, OMIM 175100. Disease mechanism: loss of function.

Submission:

Labcorp Genetics (formerly Invitae), Labcorp
Classification: Uncertain significance for Familial adenomatous polyposis 1. Last evaluated: 2025-10-14. Review status: criteria provided, single submitter. Criteria: Invitae Variant Classification Sherloc (09022015). Collection method: clinical testing. Allele origin: germline.
Comment: This variant occurs in a non-coding region of the APC gene. It does not change the encoded amino acid sequence of the APC protein. This variant is not present in population databases (gnomAD no frequency). This variant has not been reported in the literature in individuals affected with APC-related conditions. Experimental studies and prediction algorithms are not available or were not evaluated, and the functional significance of this variant is currently unknown. In summary, the available evidence is currently insufficient to determine the role of this variant in disease. Therefore, it has been classified as a Variant of Uncertain Significance.

NC_000005.10:g.112707406C>T

Gene: APC (APC regulator of Wnt signaling pathway; plus strand). Cytogenetic location: 5q22.2.
Variant type: single nucleotide variant.
Genome position: GRCh38 VCF-style: chr5-112707406-C-T. GRCh37 (hg19) VCF-style: chr5-112043103-C-T.
Identifiers: ClinVar variation 1009324 (VCV001009324.10), dbSNP rs1750556409, ClinGen allele CA1573442259.
Genomic context (GRCh38, chr5:112,707,406, plus strand): 5'-GCAACTGAGACTCGGCTGCCTAGGCAGCAATGGCTCACGGGACAGAACAGCGAAGCAGTG[C>T]CCGGCAAGCGGAGCGCAGCACCCATTGCGCCTGCGCATAACAGGCTCTAGTCTCCGGGCT-3'